The following is an entry in ClinVar:

ClinVar aggregate classification (germline): Uncertain significance. Review status: criteria provided, multiple submitters, no conflicts (2 of 4 stars). 3 submissions from 3 submitters: Uncertain significance (2). 1 of the submissions does not count toward it. Last evaluated 2022-05-04.

Conditions:
Premature ovarian failure 11 (POF11). Identifiers: MedGen C4310783, MONDO:0014843, OMIM 616946.
Age related macular degeneration 5. Identifiers: MedGen C3151063, MONDO:0013409, OMIM 613761.
Lung cancer. Also called: Malignant tumor of lung; Lung cancer, somatic. Identifiers: MedGen C0242379, MONDO:0008903, OMIM 211980.
DE SANCTIS-CACCHIONE SYNDROME. Identifiers: MedGen C0265201, MONDO:0010217, OMIM 278800.
UV-sensitive syndrome 1 (UVSS1). Identifiers: Orphanet 178338, MedGen C3551173, MONDO:0010909, OMIM 600630.
Cockayne syndrome type 2 (CSB). Also called: Cockayne Syndrome, Type II; COCKAYNE SYNDROME B. Identifiers: Orphanet 191, Orphanet 90322, MedGen C0751038, MONDO:0019570, OMIM 133540.
Cerebrooculofacioskeletal syndrome 1 (COFS1). Also called: Cerebro-oculo-facio-skeletal syndrome 1. Identifiers: MedGen C0220722, MONDO:0008955, OMIM 214150.

Allele frequency attached by ClinVar (database versions not stated): gnomAD exomes below 0.00001 and 0.00001; gnomAD 0.00001; TOPMed 0.00001.
gnomAD v4.1: 4 of 1,613,950 alleles (0.00025%); highest among the groups gnomAD compares: Admixed American, 0.0033%; no homozygotes.

Submissions (3):

Women's Health and Genetics/Laboratory Corporation of America, LabCorp
Classification: Uncertain significance. Last evaluated: 2022-05-04. Review status: criteria provided, single submitter. Criteria: LabCorp Variant Classification Summary - May 2015. Collection method: clinical testing. Allele origin: germline.
Comment: Variant summary: ERCC6 c.-14-2A>G is located in a canonical splice-site and is predicted to affect mRNA splicing resulting in a significantly altered protein due to either exon skipping, shortening, or inclusion of intronic material. Several computational tools predict a significant impact on normal splicing: Four predict the variant abolishes a canonical 3 acceptor site. One predicts the variant strengthens a cryptic 3 acceptor site. One predicts the variant creates a cryptic 3 acceptor site. However, these predictions have yet to be confirmed by functional studies. The variant allele was found at a frequency of 8e-06 in 250986 control chromosomes (gnomAD). To our knowledge, no occurrence of c.-14-2A>G in individuals affected with Cockayne Syndrome and no experimental evidence demonstrating its impact on protein function have been reported. One ClinVar submitter (evaluation after 2014) cites the variant as uncertain significance. Based on the evidence outlined above, the variant was classified as VUS-possibly pathogenic.

Fulgent Genetics
Classification: Uncertain significance for Cockayne syndrome type 2; Lung cancer; Cerebrooculofacioskeletal syndrome 1; DE SANCTIS-CACCHIONE SYNDROME; UV-sensitive syndrome 1; Age related macular degeneration 5; Premature ovarian failure 11. Last evaluated: 2021-07-21. Review status: criteria provided, single submitter. Criteria: ACMG Guidelines, 2015. Collection method: clinical testing. Allele origin: unknown.

Counsyl
Classification: Uncertain significance for Cockayne syndrome type 2; Cerebrooculofacioskeletal syndrome 1; DE SANCTIS-CACCHIONE SYNDROME. Last evaluated: 2017-05-03. Review status: no assertion criteria provided. Collection method: clinical testing. Allele origin: unknown. Not counted in ClinVar's aggregate classification.

Literature cited by the submitters: PubMed 34005834 (cited by Women's Health and Genetics/Laboratory Corporation of America, LabCorp).

NM_000124.4(ERCC6):c.-14-2A>G

Gene: ERCC6 (ERCC excision repair 6, chromatin remodeling factor; minus strand). Cytogenetic location: 10q11.23.
Variant type: single nucleotide variant.
Coding change: c.-14-2A>G on transcript NM_000124.4 (MANE Select); the canonical splice acceptor site of the intron before 14 bases upstream of the start codon, A replaced by G.
Molecular consequence: splice acceptor variant. On other transcripts: intron variant (1).
Genome position (GRCh38, 1-based): chr10:49,532,980, T>C on the plus strand (A>G on the coding strand, the complement: ERCC6 is on the minus strand). VCF-style: chr10-49532980-T-C. GRCh37 (hg19) VCF-style: chr10-50741026-T-C.
Other names: c.-10-6A>G (NM_001346440.2); c.-14-2A>G (NM_001277059.2, NM_001277058.2).
Identifiers: ClinVar variation 551705 (VCV000551705.4), dbSNP rs760663515, ClinGen allele CA206585680.